The following is an entry in ClinVar:

ClinVar aggregate classification (germline): Pathogenic (1 of 4 stars; one submission).

Submission:

Labcorp Genetics (formerly Invitae), Labcorp
Classification: Pathogenic. Last evaluated: 2021-08-30. Review status: criteria provided, single submitter. Criteria: Invitae Variant Classification Sherloc (09022015). Collection method: clinical testing. Allele origin: germline.
Comment: For these reasons, this variant has been classified as Pathogenic. This variant disrupts a region of the SERPINF1 protein in which other variant(s) (p.Trp364*) have been determined to be pathogenic (PMID: 28116328). This suggests that this is a clinically significant region of the protein, and that variants that disrupt it are likely to be disease-causing. This variant has not been reported in the literature in individuals affected with SERPINF1-related conditions. This variant is a gross deletion of the genomic region encompassing exon(s) 7-8 of the SERPINF1 gene, which includes the termination codon. This deletion extends beyond the assayed region for this gene and therefore may encompass additional genes. While this deletion is not anticipated to lead to nonsense mediated decay, it is expected to alter mRNA translation or result in a truncated protein product.

Literature cited by the submitters: PubMed 28116328.

NC_000017.10:g.(?_1679209)_(1680740_?)del

Gene: SERPINF1 (serpin family F member 1; plus strand). Cytogenetic location: 17p13.3.
Variant type: Deletion.
Identifiers: ClinVar variation 1366669 (VCV001366669.4).